The following is an entry in ClinVar:

ClinVar aggregate classification (germline): Pathogenic (1 of 4 stars; one submission).

Conditions:
DICER1-related tumor predisposition. Also called: DICER1-related pleuropulmonary blastoma cancer predisposition syndrome; DICER1 syndrome. Identifiers: Orphanet 284343, MedGen C3839822, MONDO:0100216.

Submission:

Labcorp Genetics (formerly Invitae), Labcorp
Classification: Pathogenic for DICER1-related tumor predisposition. Last evaluated: 2024-10-07. Review status: criteria provided, single submitter. Criteria: Invitae Variant Classification Sherloc (09022015). Collection method: clinical testing. Allele origin: germline.
Comment: This sequence change creates a premature translational stop signal (p.Tyr1694*) in the DICER1 gene. It is expected to result in an absent or disrupted protein product. Loss-of-function variants in DICER1 are known to be pathogenic (PMID: 19556464, 21266384). This variant is not present in population databases (gnomAD no frequency). This variant has not been reported in the literature in individuals affected with DICER1-related conditions. For these reasons, this variant has been classified as Pathogenic.

Literature cited by the submitters: PubMed 19556464; PubMed 21266384.

NM_177438.3(DICER1):c.5082C>G (p.Tyr1694Ter)

Gene: DICER1 (dicer 1, ribonuclease III; minus strand). Cytogenetic location: 14q32.13.
Variant type: single nucleotide variant.
Coding change: c.5082C>G on transcript NM_177438.3 (MANE Select); coding-DNA position 5082, C replaced by G.
Protein change: p.Tyr1694Ter; replaces tyrosine 1694 with a stop codon.
Molecular consequence: nonsense. On other transcripts: non-coding transcript variant (6).
Genome position (GRCh38, 1-based): chr14:95,095,838, G>C on the plus strand (C>G on the coding strand, the complement: DICER1 is on the minus strand). VCF-style: chr14-95095838-G-C. GRCh37 (hg19) VCF-style: chr14-95562175-G-C.
Other names: c.5082C>G, p.Tyr1694Ter (NM_001195573.1, NM_001271282.3, NM_001291628.2 and 12 more transcripts); c.4800C>G, p.Tyr1600Ter (NM_001395686.1); c.4677C>G, p.Tyr1559Ter (NM_001395687.1, NM_001395688.1, NM_001395689.1 and 2 more transcripts); c.4515C>G, p.Tyr1505Ter (NM_001395691.1); c.3399C>G, p.Tyr1133Ter (NM_001395697.1); short protein forms Y1133*, Y1694*, Y1600*, Y1559*, Y1505*.
Identifiers: ClinVar variation 3711634 (VCV003711634.2).